The following is an entry in ClinVar:

NC_000009.11:g.(?_134390793)_(134398493_?)del

Gene: POMT1 (protein O-mannosyltransferase 1; plus strand). Cytogenetic location: 9q34.13.
Variant type: Deletion.
Identifiers: ClinVar variation 3245239 (VCV003245239.1).

ClinVar aggregate classification (germline): Pathogenic (1 of 4 stars; one submission).

Conditions:
Walker-Warburg congenital muscular dystrophy. Also called: Muscular dystrophy-dystroglycanopathy, type A; Walker-Warburg syndrome. Identifiers: Orphanet 899, MedGen C0265221, MONDO:0000171.
Muscular dystrophy-dystroglycanopathy (congenital with impaired intellectual development), type B, 1. Also called: Muscular dystrophy-dystroglycanopathy (congenital with intellectual disability), type B1; MUSCULAR DYSTROPHY, CONGENITAL, POMT1-RELATED. Identifiers: MedGen C5436962, MONDO:0013159, OMIM 613155.
Autosomal recessive limb-girdle muscular dystrophy type 2K. Also called: MUSCULAR DYSTROPHY-DYSTROGLYCANOPATHY (LIMB-GIRDLE), TYPE C, 1; MUSCULAR DYSTROPHY, LIMB-GIRDLE, TYPE 2K. Identifiers: Orphanet 86812, MedGen C1836373, MONDO:0012248, OMIM 609308.

Submission:

Labcorp Genetics (formerly Invitae), Labcorp
Classification: Pathogenic for Muscular dystrophy-dystroglycanopathy (congenital with impaired intellectual development), type B, 1; Walker-Warburg congenital muscular dystrophy; Autosomal recessive limb-girdle muscular dystrophy type 2K. Last evaluated: 2023-10-18. Review status: criteria provided, single submitter. Criteria: Invitae Variant Classification Sherloc (09022015). Collection method: clinical testing. Allele origin: unknown.
Comment: This variant is a gross deletion of the genomic region encompassing exon(s) 13-20 of the POMT1 gene, which includes the termination codon. This deletion extends beyond the assayed region for this gene and therefore may encompass additional genes. While this deletion is not anticipated to lead to nonsense mediated decay, it is expected to alter mRNA translation or result in a truncated protein product. This variant has not been reported in the literature in individuals affected with POMT1-related conditions. This variant disrupts a region of the POMT1 protein in which other variant(s) (p.Trp736*) have been determined to be pathogenic (PMID: 22499106, 27193224). This suggests that this is a clinically significant region of the protein, and that variants that disrupt it are likely to be disease-causing. For these reasons, this variant has been classified as Pathogenic.

Literature cited by the submitters: PubMed 22499106; PubMed 27193224.